The following is an entry in ClinVar:

NM_138927.4(SON):c.2277C>T (p.Ser759=)

Gene: SON (SON DNA and RNA binding protein; plus strand). Cytogenetic location: 21q22.11.
Variant type: single nucleotide variant.
Coding change: c.2277C>T on transcript NM_138927.4 (MANE Select); coding-DNA position 2277, C replaced by T.
Protein change: p.Ser759=; no amino-acid change (serine 759 retained).
Molecular consequence: synonymous variant. On other transcripts: non-coding transcript variant (1), intron variant (1).
Genome position (GRCh38, 1-based): chr21:33,551,508, C>T. VCF-style: chr21-33551508-C-T. GRCh37 (hg19) VCF-style: chr21-34923814-C-T.
Other names: c.2277C>T (NM_138927.2); c.2277C>T, p.Ser759= (NM_001291411.2, NM_001412133.1, NM_032195.3 and 2 more transcripts); c.244+5129C>T (NM_001291412.3).
Identifiers: ClinVar variation 2722502 (VCV002722502.4), dbSNP rs373018452, ClinGen allele CA512336745.

ClinVar aggregate classification (germline): Likely benign. Review status: criteria provided, multiple submitters, no conflicts (2 of 4 stars). 2 submissions from 2 submitters: Likely benign (2). Last evaluated 2025-05-04.

Conditions:
SON-related disorder. Also called: SON-related condition.

Submissions (2):

PreventionGenetics, part of Exact Sciences
Classification: Likely benign for SON-related condition. Last evaluated: 2025-05-04. Review status: criteria provided, single submitter. Criteria: ACMG Guidelines, 2015. Collection method: clinical testing. Allele origin: germline.
Comment: This variant is classified as likely benign based on ACMG/AMP sequence variant interpretation guidelines (Richards et al. 2015 PMID: 25741868, with internal and published modifications).

Labcorp Genetics (formerly Invitae), Labcorp
Classification: Likely benign. Last evaluated: 2023-06-22. Review status: criteria provided, single submitter. Criteria: Invitae Variant Classification Sherloc (09022015). Collection method: clinical testing. Allele origin: germline.